The following is an entry in ClinVar:

NM_002880.4(RAF1):c.681-1G>C

Gene: RAF1 (Raf-1 proto-oncogene, serine/threonine kinase; minus strand). Cytogenetic location: 3p25.2.
Variant type: single nucleotide variant.
Coding change: c.681-1G>C on transcript NM_002880.4 (MANE Select); the canonical splice acceptor site of the intron before coding-DNA position 681, G replaced by C.
Molecular consequence: splice acceptor variant.
Genome position (GRCh38, 1-based): chr3:12,604,290, C>G on the plus strand (G>C on the coding strand, the complement: RAF1 is on the minus strand). VCF-style: chr3-12604290-C-G. GRCh37 (hg19) VCF-style: chr3-12645789-C-G.
Other names: c.339-1G>C (NM_001354695.3); c.438-1G>C (NM_001354692.3, NM_001354694.3, NM_001354691.3); c.582-1G>C (NM_001354693.3); c.681-1G>C (NM_001354689.3, NM_001354690.3).
Identifiers: ClinVar variation 3658703 (VCV003658703.2).
Genomic context (GRCh38, chr3:12,604,290, plus strand): 5'-GATGAGGGACTGGAGGTGTTAAAGGTGAAGGCGTGAGGTGTAGAATATCTGTGCTGAGAA[C>G]TAGGAGGAGAAAGAAAATTCCATGATTGGCACTTAGGCTTTCATACTGGTGAAGTCTTTC-3'

ClinVar aggregate classification (germline): Uncertain significance (1 of 4 stars; one submission).

Conditions:
RASopathy. Also called: rasopathies; Noonan spectrum disorder. Identifiers: Orphanet 536391, MedGen C5555857, MONDO:0021060.

Submission:

Labcorp Genetics (formerly Invitae), Labcorp
Classification: Uncertain significance for RASopathy. Last evaluated: 2024-12-16. Review status: criteria provided, single submitter. Criteria: Invitae Variant Classification Sherloc (09022015). Collection method: clinical testing. Allele origin: germline.
Comment: This sequence change affects an acceptor splice site in intron 6 of the RAF1 gene. It is expected to disrupt RNA splicing. Variants that disrupt the donor or acceptor splice site typically lead to a loss of protein function (PMID: 16199547), however the current clinical and genetic evidence is not sufficient to establish whether loss-of-function variants in RAF1 cause disease. This variant is not present in population databases (gnomAD no frequency). This variant has not been reported in the literature in individuals affected with RAF1-related conditions. Algorithms developed to predict the effect of sequence changes on RNA splicing suggest that this variant may disrupt the consensus splice site. In summary, the available evidence is currently insufficient to determine the role of this variant in disease. Therefore, it has been classified as a Variant of Uncertain Significance.

Literature cited by the submitters: PubMed 16199547.